The following is an entry in ClinVar:

NM_138395.4(MARS2):c.368A>C (p.Gln123Pro)

Gene: MARS2 (methionyl-tRNA synthetase 2, mitochondrial; plus strand). Cytogenetic location: 2q33.1.
Variant type: single nucleotide variant.
Coding change: c.368A>C on transcript NM_138395.4 (MANE Select); coding-DNA position 368, A replaced by C.
Protein change: p.Gln123Pro; replaces glutamine 123 with proline.
Molecular consequence: missense variant.
Genome position (GRCh38, 1-based): chr2:197,705,773, A>C. VCF-style: chr2-197705773-A-C. GRCh37 (hg19) VCF-style: chr2-198570497-A-C.
Other names: short protein forms Q123P.
Identifiers: ClinVar variation 1993445 (VCV001993445.4), dbSNP rs2106292691, ClinGen allele CA350212035.

ClinVar aggregate classification (germline): Uncertain significance (1 of 4 stars; one submission).

Submission:

Labcorp Genetics (formerly Invitae), Labcorp
Classification: Uncertain significance. Last evaluated: 2024-05-15. Review status: criteria provided, single submitter. Criteria: Invitae Variant Classification Sherloc (09022015). Collection method: clinical testing. Allele origin: germline.
Comment: This sequence change replaces glutamine, which is neutral and polar, with proline, which is neutral and non-polar, at codon 123 of the MARS2 protein (p.Gln123Pro). This variant is not present in population databases (gnomAD no frequency). This variant has not been reported in the literature in individuals affected with MARS2-related conditions. ClinVar contains an entry for this variant (Variation ID: 1993445). Advanced modeling of protein sequence and biophysical properties (such as structural, functional, and spatial information, amino acid conservation, physicochemical variation, residue mobility, and thermodynamic stability) performed at Invitae indicates that this missense variant is not expected to disrupt MARS2 protein function with a negative predictive value of 80%. In summary, the available evidence is currently insufficient to determine the role of this variant in disease. Therefore, it has been classified as a Variant of Uncertain Significance.